The following is an entry in ClinVar:

ClinVar aggregate classification (germline): Uncertain significance (1 of 4 stars; one submission).

Conditions:
Immunodeficiency, common variable, 7. Identifiers: Orphanet 1572, Orphanet 696894, MedGen C3542922, MONDO:0013862, OMIM 614699.

Submission:

Labcorp Genetics (formerly Invitae), Labcorp
Classification: Uncertain significance for Immunodeficiency, common variable, 7. Last evaluated: 2019-08-20. Review status: criteria provided, single submitter. Criteria: Invitae Variant Classification Sherloc (09022015). Collection method: clinical testing. Allele origin: germline.
Comment: In summary, the available evidence is currently insufficient to determine the role of this variant in disease. Therefore, it has been classified as a Variant of Uncertain Significance. Algorithms developed to predict the effect of missense changes on protein structure and function are either unavailable or do not agree on the potential impact of this missense change (SIFT: "Tolerated"; PolyPhen-2: "Possibly Damaging"; Align-GVGD: "Class C0"). This variant has not been reported in the literature in individuals with CR2-related conditions. This variant is not present in population databases (ExAC no frequency). This sequence change replaces proline with threonine at codon 441 of the CR2 protein (p.Pro441Thr). The proline residue is highly conserved and there is a small physicochemical difference between proline and threonine.

NM_001006658.3(CR2):c.1321C>A (p.Pro441Thr)

Gene: CR2 (complement C3d receptor 2; plus strand). Cytogenetic location: 1q32.2.
Variant type: single nucleotide variant.
Coding change: c.1321C>A on transcript NM_001006658.3 (MANE Select); coding-DNA position 1321, C replaced by A.
Protein change: p.Pro441Thr; replaces proline 441 with threonine.
Molecular consequence: missense variant.
Genome position (GRCh38, 1-based): chr1:207,470,835, C>A. VCF-style: chr1-207470835-C-A. GRCh37 (hg19) VCF-style: chr1-207644180-C-A.
Other names: c.1321C>A, p.Pro441Thr (NM_001877.5); short protein forms P441T.
Identifiers: ClinVar variation 948177 (VCV000948177.9), dbSNP rs1658253775, ClinGen allele CA344530365.